The following is an entry in ClinVar:

NM_183357.3(ADCY5):c.3064-53C>T

Gene: ADCY5 (adenylate cyclase 5; minus strand). Cytogenetic location: 3q21.1.
Variant type: single nucleotide variant.
Coding change: c.3064-53C>T on transcript NM_183357.3 (MANE Select); 53 bases into the intron before coding-DNA position 3064, C replaced by T.
Molecular consequence: intron variant.
Genome position (GRCh38, 1-based): chr3:123,291,429, G>A on the plus strand (C>T on the coding strand, the complement: ADCY5 is on the minus strand). VCF-style: chr3-123291429-G-A. GRCh37 (hg19) VCF-style: chr3-123010276-G-A.
Other names: c.3139-53C>T (NM_001378259.1); c.2014-53C>T (NM_001199642.1).
Identifiers: ClinVar variation 1266083 (VCV001266083.6), dbSNP rs9809236, ClinGen allele CA11588019.

ClinVar aggregate classification (germline): Benign. Review status: criteria provided, multiple submitters, no conflicts (2 of 4 stars). 6 submissions from 4 submitters: Benign (6). Last evaluated 2024-07-31.

Conditions:
Neurodevelopmental disorder with hyperkinetic movements and dyskinesia. Identifiers: MedGen C5562038, MONDO:0859211, OMIM 619651.
Dyskinesia with orofacial involvement, autosomal recessive. Identifiers: MedGen C5562036, MONDO:0030625, OMIM 619647.
Dyskinesia with orofacial involvement, autosomal dominant (DSKOD). Also called: Dyskinesia, familial, with facial myokymia; Familial dyskinesia and facial myokymia; Familial Dyskinesia with Facial Myokymia (FDFM). Identifiers: Orphanet 324588, MedGen C1847627, MONDO:0800028, OMIM 606703.

Allele frequency attached by ClinVar (database versions not stated): 1000 Genomes Project 30x 0.18207; 1000 Genomes Project 0.18291; TOPMed 0.24893; gnomAD 0.26895 and 0.26927; gnomAD exomes 0.35989.
gnomAD v4.1: 547,802 of 1,564,246 alleles (35%); highest among the groups gnomAD compares: Non-Finnish European, 39%; 102,310 homozygotes.

Submissions (6):

Unidad de Genómica Garrahan, Hospital de Pediatría Garrahan
Classification: Benign. Last evaluated: 2024-07-31. Review status: criteria provided, single submitter. Criteria: ACMG Guidelines, 2015. Collection method: clinical testing. Allele origin: germline. Affected: no. Observed: 41 variant alleles.
Comment: This variant is classified as Benign based on local population frequency. This variant was detected in 44% of patients studied in a panel designed for Epileptic and Developmental Encephalopathy, Progressive Myoclonus Epilepsy and Abnormal Movements and Neurodegeneration with brain iron accumulation. Number of patients: 41. Only high quality variants are reported.

Genome-Nilou Lab
Classification: Benign for Dyskinesia with orofacial involvement, autosomal dominant. Last evaluated: 2021-12-05. Review status: criteria provided, single submitter. Criteria: ACMG Guidelines, 2015. Collection method: clinical testing. Allele origin: germline. Affected: no.

Genome-Nilou Lab
Classification: Benign for Dyskinesia with orofacial involvement, autosomal recessive. Last evaluated: 2021-12-05. Review status: criteria provided, single submitter. Criteria: ACMG Guidelines, 2015. Collection method: clinical testing. Allele origin: germline. Affected: no.

Genome-Nilou Lab
Classification: Benign for Neurodevelopmental disorder with hyperkinetic movements and dyskinesia. Last evaluated: 2021-12-05. Review status: criteria provided, single submitter. Criteria: ACMG Guidelines, 2015. Collection method: clinical testing. Allele origin: germline. Affected: no.

GeneDx
Classification: Benign. Last evaluated: 2018-08-14. Review status: criteria provided, single submitter. Criteria: GeneDx Variant Classification Process June 2021. Collection method: clinical testing. Allele origin: germline. Affected: yes.

Breakthrough Genomics
Classification: Benign. Review status: criteria provided, single submitter. Criteria: ACMG Guidelines, 2015. Collection method: not provided. Allele origin: germline. Inheritance: Autosomal recessive inheritance. Affected: yes.